The following is an entry in ClinVar:

ClinVar aggregate classification (germline): Uncertain significance. Review status: criteria provided, multiple submitters, no conflicts (2 of 4 stars). 2 submissions from 2 submitters: Uncertain significance (2). Last evaluated 2023-03-31.

Conditions:
Inborn genetic diseases. Identifiers: MedGen C0950123, MeSH D030342.
Spastic paraplegia. Identifiers: MedGen C0037772, HP:0001258.

Allele frequency attached by ClinVar (database versions not stated): gnomAD 0.00001.
gnomAD v4.1: 9 of 1,614,044 alleles (0.00056%); highest among the groups gnomAD compares: East Asian, 0.0022%; no homozygotes.

Submissions (2):

Ambry Genetics
Classification: Uncertain significance for Inborn genetic diseases. Last evaluated: 2023-03-31. Review status: criteria provided, single submitter. Criteria: Ambry Variant Classification Scheme 2023. Collection method: clinical testing. Allele origin: germline.

Labcorp Genetics (formerly Invitae), Labcorp
Classification: Uncertain significance for Spastic paraplegia. Last evaluated: 2022-08-22. Review status: criteria provided, single submitter. Criteria: Invitae Variant Classification Sherloc (09022015). Collection method: clinical testing. Allele origin: germline.
Comment: This sequence change replaces arginine, which is basic and polar, with serine, which is neutral and polar, at codon 2104 of the ZFYVE26 protein (p.Arg2104Ser). This variant is present in population databases (no rsID available, gnomAD 0.003%). This variant has not been reported in the literature in individuals affected with ZFYVE26-related conditions. Algorithms developed to predict the effect of missense changes on protein structure and function (SIFT, PolyPhen-2, Align-GVGD) all suggest that this variant is likely to be tolerated. In summary, the available evidence is currently insufficient to determine the role of this variant in disease. Therefore, it has been classified as a Variant of Uncertain Significance.

NM_015346.4(ZFYVE26):c.6312G>C (p.Arg2104Ser)

Gene: ZFYVE26 (zinc finger FYVE-type containing 26; minus strand). Cytogenetic location: 14q24.1.
Variant type: single nucleotide variant.
Coding change: c.6312G>C on transcript NM_015346.4 (MANE Select); coding-DNA position 6312, G replaced by C.
Protein change: p.Arg2104Ser; replaces arginine 2104 with serine.
Molecular consequence: missense variant.
Genome position (GRCh38, 1-based): chr14:67,762,260, C>G on the plus strand (G>C on the coding strand, the complement: ZFYVE26 is on the minus strand). VCF-style: chr14-67762260-C-G. GRCh37 (hg19) VCF-style: chr14-68228977-C-G.
Other names: c.6312G>C (NM_015346.3); short protein forms R2104S.
Identifiers: ClinVar variation 1922865 (VCV001922865.4), dbSNP rs758451085, ClinGen allele CA390163805.
Genomic context (GRCh38, chr14:67,762,260, plus strand): 5'-TACCAAGGATACAAAGGGCCTCACTGTGGACTCTAGGTACTCAACCACATCCTGCACCAG[C>G]CTTGAGCCATGATTCAGCTGATTGAGGTCAAATGGGGGCTTCAGACAGCGACTGAACTTC-3'
Protein context (NP_056161.2, residues 2094-2114): FDLNQLNHGS[Arg2104Ser]LVQDVVEYLE